The following is an entry in ClinVar:

NM_000769.1(CYP2C19):c.1A>G (p.Met1Val)

Gene: CYP2C19 (cytochrome P450 family 2 subfamily C member 19; plus strand). Cytogenetic location: 10q23.33.
Variant type: single nucleotide variant.
Coding change: c.1A>G on transcript NM_000769.1; coding-DNA position 1, A replaced by G.
Protein change: p.Met1Val; changes the start codon (methionine 1).
Molecular consequence: missense variant, initiator codon variant (on NM_000769.4).
Genome position (GRCh38, 1-based): chr10:94,762,706, A>G. VCF-style: chr10-94762706-A-G. GRCh37 (hg19) VCF-style: chr10-96522463-A-G.
Other names: CYP2C19, MET1VAL (rs28399504); CYP2C19*4; c.1A>G, p.Met1Val (NM_000769.4); short protein forms M1V.
Identifiers: ClinVar variation 16900 (VCV000016900.14), dbSNP rs28399504, ClinGen allele CA250055.
Genomic context (GRCh38, chr10:94,762,706, plus strand): 5'-GTGTTATAAAAAGCTTGGAGTGCAAGCTCACGGTTGTCTTAACAAGAGGAGAAGGCTTCA[A>G]TGGATCCTTTTGTGGTCCTTGTGCTCTGTCTCTCATGTTTGCTTCTCCTTTCAATCTGGA-3'
Protein context (NP_000760.1, residues 1-11): [Met1Val]DPFVVLVLCL

ClinVar aggregate classification (germline): drug response. Review status: practice guideline (4 of 4 stars). 4 submissions from 4 submitters: drug response (1). 3 of the submissions do not count toward it.

Conditions:
MEPHENYTOIN, POOR METABOLISM OF. Identifiers: MedGen C1836024, OMIM 609535.
CYP2C19: no function.

Allele frequency attached by ClinVar (database versions not stated): 1000 Genomes Project 0.00080; gnomAD 0.00156; TOPMed 0.00247; 1000 Genomes Project 30x 0.00078.

Submissions (4):

Clinical Pharmacogenetics Implementation Consortium
Classification: drug response for CYP2C19: no function. Review status: practice guideline. Criteria: Clinical Pharmacogenetics Implementation Consortium. Collection method: curation. Allele origin: germline.

GeneDx
Classification: Likely benign. Last evaluated: 2018-03-26. Review status: criteria provided, single submitter. Criteria: GeneDx Variant Classification (06012015). Collection method: clinical testing. Allele origin: germline. Affected: yes. Not counted in ClinVar's aggregate classification.
Comment: This variant is considered likely benign or benign based on one or more of the following criteria: it is a conservative change, it occurs at a poorly conserved position in the protein, it is predicted to be benign by multiple in silico algorithms, and/or has population frequency not consistent with disease.

Eurofins Ntd Llc (ga)
Classification: other. Last evaluated: 2015-12-28. Review status: criteria provided, single submitter. Criteria: EGL Classification Definitions 2015. Collection method: clinical testing. Allele origin: germline. Observed: 4 variant alleles, 4 heterozygotes. Not counted in ClinVar's aggregate classification.

OMIM
Classification: drug response for MEPHENYTOIN, POOR METABOLISM OF. Last evaluated: 1998-01-01. Review status: no assertion criteria provided. Collection method: literature only. Allele origin: germline. Not counted in ClinVar's aggregate classification.

Literature cited by the submitters: PubMed 9435198 (cited by OMIM).